The following is an entry in ClinVar:

NM_001283009.2(RTEL1):c.334G>A (p.Ala112Thr)

Genes: RTEL1 (regulator of telomere elongation helicase 1; plus strand), RTEL1-TNFRSF6B (RTEL1-TNFRSF6B readthrough (NMD candidate); plus strand). Cytogenetic location: 20q13.33.
Variant type: single nucleotide variant.
Coding change: c.334G>A on transcript NM_001283009.2 (MANE Select); coding-DNA position 334, G replaced by A.
Protein change: p.Ala112Thr; replaces alanine 112 with threonine.
Molecular consequence: missense variant. On other transcripts: non-coding transcript variant (1), 5 prime UTR variant (1).
Genome position (GRCh38, 1-based): chr20:63,661,882, G>A. VCF-style: chr20-63661882-G-A. GRCh37 (hg19) VCF-style: chr20-62293235-G-A.
Other names: c.-336G>A (NM_001283010.1); c.334G>A, p.Ala112Thr (NM_016434.4, NM_032957.5); short protein forms A112T.
Identifiers: ClinVar variation 436586 (VCV000436586.17), dbSNP rs151214675, ClinGen allele CA9964184.

ClinVar aggregate classification (germline): Uncertain significance. Review status: criteria provided, multiple submitters, no conflicts (2 of 4 stars). 6 submissions from 6 submitters: Uncertain significance (5). 1 of the submissions does not count toward it. Last evaluated 2026-05-26.

Conditions:
RTEL1-related disorder. Also called: RTEL1-related disorders; RTEL1-related condition.
Pulmonary fibrosis and/or bone marrow failure, Telomere-related, 3. Also called: PULMONARY FIBROSIS AND/OR BONE MARROW FAILURE SYNDROME, TELOMERE-RELATED, 3. Identifiers: Orphanet 2032, MedGen C4225346, MONDO:0014613, OMIM 616373.
Dyskeratosis congenita, autosomal recessive 5 (DKCB5). Identifiers: MedGen C3554656, MONDO:0014076, OMIM 615190.
Dyskeratosis congenita. Identifiers: Orphanet 1775, MedGen C0265965, MONDO:0015780.

Allele frequency attached by ClinVar (database versions not stated): 1000 Genomes Project 30x 0.00016; gnomAD 0.00016 and 0.00019; gnomAD exomes 0.00016; 1000 Genomes Project 0.00020; ExAC 0.00022; ESP Exome Variant Server 0.00023; TOPMed 0.00025.
gnomAD v4.1: 240 of 1,613,970 alleles (0.015%); highest among the groups gnomAD compares: Middle Eastern, 0.066%; 3 homozygotes.

Submissions (6):

PreventionGenetics, part of Exact Sciences
Classification: Uncertain significance for RTEL1-related condition. Last evaluated: 2026-05-26. Review status: criteria provided, single submitter. Criteria: ACMG Guidelines, 2015. Collection method: clinical testing. Allele origin: germline.
Comment: The RTEL1 c.334G>A variant is predicted to result in the amino acid substitution p.Ala112Thr. This variant was reported in an individual with chronic hypersensitivity pneumonitis (Ley et al. 2019. PubMed ID: 31268371) and an individual with a telomere biology disorder (Table S4, Molteni et al. 2023. PubMed ID: 37216690). This variant is reported in 0.028% of alleles in individuals of Latino descent in gnomAD, and is classified as uncertain in ClinVar (Variation ID: 436586). At this time, the clinical significance of this variant is uncertain due to the absence of conclusive functional and genetic evidence.

Labcorp Genetics (formerly Invitae), Labcorp
Classification: Uncertain significance for Dyskeratosis congenita, autosomal recessive 5; Pulmonary fibrosis and/or bone marrow failure, Telomere-related, 3. Last evaluated: 2026-01-30. Review status: criteria provided, single submitter. Criteria: Invitae Variant Classification Sherloc (09022015). Collection method: clinical testing. Allele origin: germline.
Comment: This sequence change replaces alanine, which is neutral and non-polar, with threonine, which is neutral and polar, at codon 112 of the RTEL1 protein (p.Ala112Thr). This variant is present in population databases (rs151214675, gnomAD 0.03%), including at least one homozygous and/or hemizygous individual. This missense change has been observed in individual(s) with cytopenia (PMID: 37216690). ClinVar contains an entry for this variant (Variation ID: 436586). An algorithm developed to predict the effect of missense changes on protein structure and function (PolyPhen-2) suggests that this variant is likely to be disruptive. In summary, the available evidence is currently insufficient to determine the role of this variant in disease. Therefore, it has been classified as a Variant of Uncertain Significance.

GeneDx
Classification: Uncertain significance. Last evaluated: 2024-11-10. Review status: criteria provided, single submitter. Criteria: GeneDx Variant Classification Process June 2021. Collection method: clinical testing. Allele origin: germline. Affected: yes.
Comment: In silico analysis supports that this missense variant has a deleterious effect on protein structure/function; Observed in individuals with idiopathic cytopenia, early-onset inflammatory bowel disease, aged-related macular degeneration, or chronic hypersensitivity pneumonitis (PMID: 28930861, 31268371, 31367973, 37216690); This variant is associated with the following publications: (PMID: 31367973, 31268371, 28930861, 37216690)

Fulgent Genetics
Classification: Uncertain significance for Dyskeratosis congenita, autosomal recessive 5; Pulmonary fibrosis and/or bone marrow failure, Telomere-related, 3. Last evaluated: 2022-04-20. Review status: criteria provided, single submitter. Criteria: ACMG Guidelines, 2015. Collection method: clinical testing. Allele origin: unknown.

Genetic Services Laboratory, University of Chicago
Classification: Uncertain significance. Last evaluated: 2015-10-28. Review status: criteria provided, single submitter. Criteria: ACMG Guidelines, 2015. Collection method: clinical testing. Allele origin: germline. Affected: no.

Natera, Inc.
Classification: Uncertain significance for Dyskeratosis congenita. Last evaluated: 2020-01-17. Review status: no assertion criteria provided. Collection method: clinical testing. Allele origin: germline. Not counted in ClinVar's aggregate classification.

Literature cited by the submitters: PubMed 37216690 (cited by Labcorp Genetics (formerly Invitae), Labcorp).